The following is an entry in ClinVar:

ClinVar aggregate classification (germline): Uncertain significance (1 of 4 stars; one submission).

Conditions:
Testicular anomalies with or without congenital heart disease (TACHD). Identifiers: Orphanet 251510, MedGen C3809858, MONDO:0014239, OMIM 615542.

Submission:

Juno Genomics, Hangzhou Juno Genomics, Inc
Classification: Uncertain significance for Testicular anomalies with or without congenital heart disease. Review status: criteria provided, single submitter. Criteria: ACMG Guidelines, 2015. Collection method: clinical testing. Allele origin: germline. Affected: yes.
Comment: Absent from controls (or at extremely low frequency if recessive) in Genome Aggregation Database.;Multiple lines of computational evidence support a deleterious effect on the gene or gene product.;Missense variant in a gene that has a low rate of benign missense variation.

NM_001308093.3(GATA4):c.706C>G (p.His236Asp)

Gene: GATA4 (GATA binding protein 4). Cytogenetic location: 8p23.1.
Variant type: single nucleotide variant.
Coding change: c.706C>G on transcript NM_001308093.3 (MANE Select); coding-DNA position 706, C replaced by G.
Protein change: p.His236Asp; replaces histidine 236 with aspartic acid.
Molecular consequence: missense variant.
Genome position (GRCh38, 1-based): chr8:11,749,005, C>G. VCF-style: chr8-11749005-C-G. GRCh37 (hg19) VCF-style: chr8-11606514-C-G.
Other names: c.85C>G, p.His29Asp (NM_001308094.2, NM_001374273.1, NM_001374274.1); c.703C>G, p.His235Asp (NM_002052.5); short protein forms H235D, H236D, H29D.
Identifiers: ClinVar variation 5019678 (VCV005019678.1).